The following is an entry in ClinVar:

ClinVar aggregate classification (germline): Uncertain significance (1 of 4 stars; one submission).

Submission:

Ambry Genetics
Classification: Uncertain significance. Last evaluated: 2021-11-30. Review status: criteria provided, single submitter. Criteria: Ambry Variant Classification Scheme 2023. Collection method: clinical testing. Allele origin: germline.
Comment: The p.T968S variant (also known as c.2903C>G), located in coding exon 1 of the MLH3 gene, results from a C to G substitution at nucleotide position 2903. The threonine at codon 968 is replaced by serine, an amino acid with similar properties. This amino acid position is conserved. In addition, this alteration is predicted to be tolerated by in silico analysis. Since supporting evidence is limited at this time, the clinical significance of this alteration remains unclear.

NM_001040108.2(MLH3):c.2903C>G (p.Thr968Ser)

Gene: MLH3 (mutL homolog 3; minus strand). Cytogenetic location: 14q24.3.
Variant type: single nucleotide variant.
Coding change: c.2903C>G on transcript NM_001040108.2 (MANE Select); coding-DNA position 2903, C replaced by G.
Protein change: p.Thr968Ser; replaces threonine 968 with serine.
Molecular consequence: missense variant.
Genome position (GRCh38, 1-based): chr14:75,046,753, G>C on the plus strand (C>G on the coding strand, the complement: MLH3 is on the minus strand). VCF-style: chr14-75046753-G-C. GRCh37 (hg19) VCF-style: chr14-75513456-G-C.
Other names: c.2903C>G, p.Thr968Ser (NM_014381.3); short protein forms T968S.
Identifiers: ClinVar variation 1797479 (VCV001797479.2), dbSNP rs769450598, ClinGen allele CA390437642.